The following is an entry in ClinVar:

NM_194454.3(KRIT1):c.151_154del (p.Lys51fs)

Gene: KRIT1 (KRIT1 ankyrin repeat containing; minus strand). Cytogenetic location: 7q21.2.
Variant type: Microsatellite.
Coding change: c.151_154del on transcript NM_194454.3 (MANE Select); coding-DNA positions 151 to 154, 4 bases deleted (AAAG; older notation c.151_154delAAAG).
Protein change: p.Lys51fs; shifts the reading frame from lysine 51.
Molecular consequence: frameshift variant. On other transcripts: 5 prime UTR variant (1).
Genome position (GRCh38, 1-based): chr7:92,241,101-92,241,104, CTTT deleted on the plus strand (AAAG on the coding strand, the reverse complement: KRIT1 is on the minus strand); deleting any 4 consecutive bases within chr7:92,241,101-92,241,110 gives the same sequence; the c. name uses the placement nearest the transcript's 3' end. VCF-style (leftmost placement, unchanged base first): chr7-92241100-ACTTT-A. GRCh37 (hg19) VCF-style: chr7-91870414-ACTTT-A.
Other names: c.151_154delAAAG (NM_194456.1); c.151_154del, p.Lys51fs (NM_001013406.2, NM_001350669.1, NM_001350670.1 and 29 more transcripts); c.-437AAAG[1] (NM_001350671.1); short protein forms K51fs.
Identifiers: ClinVar variation 279827 (VCV000279827.16), dbSNP rs886041209, ClinGen allele CA10602970.
Genomic context (GRCh38, chr7:92,241,100, plus strand): 5'-ACGTAATCCAATATGCCTTGTGTTATTTCACTGTTGCCTTGAAGTTTCGTTTCCAATAAA[ACTTT>A]CTTTCTCTTTTTTTTCTGTCCTTCAATGGGAACTTCATGCAACAAAATCTTAGATGAGAA-3'

ClinVar aggregate classification (germline): Pathogenic. Review status: criteria provided, multiple submitters, no conflicts (2 of 4 stars). 5 submissions from 5 submitters: Pathogenic (5). Last evaluated 2025-10-02.

Conditions:
Inborn genetic diseases. Identifiers: MedGen C0950123, MeSH D030342.
Cerebral cavernous malformation 1. Also called: Cerebral cavernous malformations 1; Familial Cerebral Cavernous Malformation 1. Identifiers: MedGen C1366911, MONDO:0020724.
Cerebral cavernous malformation (CCM). Also called: Cavernous Hemangioma of Brain; CAVERNOUS ANGIOMA, FAMILIAL; CAVERNOUS ANGIOMATOUS MALFORMATIONS; CEREBRAL CAPILLARY MALFORMATIONS; Cerebral cavernous hemangioma (type); Cerebral cavernous malformations. Identifiers: Orphanet 221061, MedGen C2919945, MONDO:0000820, OMIM 116860, HP:0033522.

Submissions (5):

GeneDx
Classification: Pathogenic. Last evaluated: 2025-10-02. Review status: criteria provided, single submitter. Criteria: GeneDx Variant Classification Process June 2021. Collection method: clinical testing. Allele origin: germline. Affected: yes.
Comment: Frameshift variant predicted to result in protein truncation or nonsense mediated decay in a gene for which loss-of-function is a known mechanism of disease; Not observed at significant frequency in large population cohorts (gnomAD); This variant is associated with the following publications: (PMID: 23595507, 31254430, 30161288, 17043900, 12404106)

Institute of Human Genetics, FAU Erlangen, Friedrich-Alexander-Universität Erlangen-Nürnberg
Classification: Pathogenic for Cerebral cavernous malformation 1. Last evaluated: 2025-07-09. Review status: criteria provided, single submitter. Criteria: Hauer et al. (Genet Med. 2018). Collection method: clinical testing. Allele origin: germline. Inheritance: Unknown mechanism. Affected: yes. Observed: 1 variant allele.
Comment: This variant has been identified by standard clinical testing.

Labcorp Genetics (formerly Invitae), Labcorp
Classification: Pathogenic for Cerebral cavernous malformation. Last evaluated: 2025-04-10. Review status: criteria provided, single submitter. Criteria: Invitae Variant Classification Sherloc (09022015). Collection method: clinical testing. Allele origin: germline.
Comment: This sequence change creates a premature translational stop signal (p.Lys51Phefs*13) in the KRIT1 gene. It is expected to result in an absent or disrupted protein product. Loss-of-function variants in KRIT1 are known to be pathogenic (PMID: 10508515, 11222804, 12404106, 24689081). This variant is not present in population databases (gnomAD no frequency). This premature translational stop signal has been observed in individual(s) with cerebral cavernous malformations (PMID: 12404106, 30161288). ClinVar contains an entry for this variant (Variation ID: 279827). For these reasons, this variant has been classified as Pathogenic.

Ambry Genetics
Classification: Pathogenic for Inborn genetic diseases. Last evaluated: 2024-03-26. Review status: criteria provided, single submitter. Criteria: Ambry Variant Classification Scheme 2023. Collection method: clinical testing. Allele origin: germline.
Comment: The c.151_154delAAAG (p.K51Ffs*13) alteration, located in exon 6 (coding exon 2) of the KRIT1 gene, consists of a deletion of 4 nucleotides from position 151 to 154, causing a translational frameshift with a predicted alternate stop codon after 13 amino acids. This alteration is expected to result in loss of function by premature protein truncation or nonsense-mediated mRNA decay. This variant was not reported in population-based cohorts in the Genome Aggregation Database (gnomAD). This variant was reported in multiple individuals with features consistent with KRIT1-related cerebral cavernous malformations and cosegregates with disease in several families (Nardella, 2018; Riant, 2013; Cav&eacute;-Riant, 2002). Based on the available evidence, this alteration is classified as pathogenic.

PreventionGenetics, part of Exact Sciences
Classification: Pathogenic. Last evaluated: 2016-07-27. Review status: criteria provided, single submitter. Criteria: ACMG Guidelines, 2015. Collection method: clinical testing. Allele origin: germline.

Literature cited by the submitters: PubMed 10508515 (cited by Labcorp Genetics (formerly Invitae), Labcorp); PubMed 11222804 (cited by Labcorp Genetics (formerly Invitae), Labcorp); PubMed 12404106 (cited by Labcorp Genetics (formerly Invitae), Labcorp and Ambry Genetics); PubMed 24689081 (cited by Labcorp Genetics (formerly Invitae), Labcorp); PubMed 30161288 (cited by Labcorp Genetics (formerly Invitae), Labcorp and Ambry Genetics); PubMed 23595507 (cited by Ambry Genetics).